The following is an entry in ClinVar:

ClinVar aggregate classification (germline): Uncertain significance (1 of 4 stars; one submission).

Submission:

Labcorp Genetics (formerly Invitae), Labcorp
Classification: Uncertain significance. Last evaluated: 2024-11-05. Review status: criteria provided, single submitter. Criteria: Invitae Variant Classification Sherloc (09022015). Collection method: clinical testing. Allele origin: germline.
Comment: This sequence change replaces serine, which is neutral and polar, with alanine, which is neutral and non-polar, at codon 999 of the KAT6A protein (p.Ser999Ala). This variant is not present in population databases (gnomAD no frequency). This variant has not been reported in the literature in individuals affected with KAT6A-related conditions. Invitae Evidence Modeling of protein sequence and biophysical properties (such as structural, functional, and spatial information, amino acid conservation, physicochemical variation, residue mobility, and thermodynamic stability) indicates that this missense variant is not expected to disrupt KAT6A protein function with a negative predictive value of 95%. In summary, the available evidence is currently insufficient to determine the role of this variant in disease. Therefore, it has been classified as a Variant of Uncertain Significance.

NM_006766.5(KAT6A):c.2995T>G (p.Ser999Ala)

Gene: KAT6A (lysine acetyltransferase 6A; minus strand). Cytogenetic location: 8p11.21.
Variant type: single nucleotide variant.
Coding change: c.2995T>G on transcript NM_006766.5 (MANE Select); coding-DNA position 2995, T replaced by G.
Protein change: p.Ser999Ala; replaces serine 999 with alanine.
Molecular consequence: missense variant.
Genome position (GRCh38, 1-based): chr8:41,940,886, A>C on the plus strand (T>G on the coding strand, the complement: KAT6A is on the minus strand). VCF-style: chr8-41940886-A-C. GRCh37 (hg19) VCF-style: chr8-41798404-A-C.
Other names: short protein forms S999A.
Identifiers: ClinVar variation 3720545 (VCV003720545.2).